The following is an entry in ClinVar:

NM_001199107.2(TBC1D24):c.965+8G>A

Gene: TBC1D24 (TBC1 domain family member 24; plus strand). Cytogenetic location: 16p13.3.
Variant type: single nucleotide variant.
Coding change: c.965+8G>A on transcript NM_001199107.2 (MANE Select); 8 bases into the intron after coding-DNA position 965, G replaced by A.
Molecular consequence: intron variant.
Genome position (GRCh38, 1-based): chr16:2,497,121, G>A. VCF-style: chr16-2497121-G-A. GRCh37 (hg19) VCF-style: chr16-2547122-G-A.
Other names: c.965+8G>A (NM_020705.3).
Identifiers: ClinVar variation 382343 (VCV000382343.14), dbSNP rs372247100, ClinGen allele CA7844100.

ClinVar aggregate classification (germline): Likely benign. Review status: criteria provided, multiple submitters, no conflicts (2 of 4 stars). 2 submissions from 2 submitters: Likely benign (2). Last evaluated 2023-10-30.

Conditions:
Developmental and epileptic encephalopathy, 1 (DEE1). Also called: X-linked infantile spasms; West's syndrome; Tonic spasms with clustering, arrest of psychomotor development and hypsarrhythmia on EEG; X-Linked Infantile Spasm Syndrome; OHTAHARA SYNDROME, X-LINKED; INFANTILE SPASM SYNDROME, X-LINKED 1. Identifiers: MedGen C3463992, MONDO:0010632, OMIM 308350. Disease mechanism: loss of function.
Autosomal dominant nonsyndromic hearing loss 65. Also called: TBC1D24-Related Autosomal Dominant Nonsyndromic Hearing Loss (DFNA); Deafness, autosomal dominant 65. Identifiers: Orphanet 90635, MedGen C3892048, MONDO:0014470, OMIM 616044.

Allele frequency attached by ClinVar (database versions not stated): 1000 Genomes Project 0.00020; ExAC 0.00001; 1000 Genomes Project 30x 0.00016; gnomAD 0.00001; gnomAD exomes 0.00001; TOPMed 0.00001.
gnomAD v4.1: 15 of 1,599,658 alleles (0.00094%); highest among the groups gnomAD compares: South Asian, 0.0011%; no homozygotes.

Submissions (2):

Labcorp Genetics (formerly Invitae), Labcorp
Classification: Likely benign for Developmental and epileptic encephalopathy, 1; Autosomal dominant nonsyndromic hearing loss 65. Last evaluated: 2023-10-30. Review status: criteria provided, single submitter. Criteria: Invitae Variant Classification Sherloc (09022015). Collection method: clinical testing. Allele origin: germline.

GeneDx
Classification: Likely benign. Last evaluated: 2015-12-18. Review status: criteria provided, single submitter. Criteria: GeneDx Variant Classification (06012015). Collection method: clinical testing. Allele origin: germline. Affected: yes.
Comment: This variant is considered likely benign or benign based on one or more of the following criteria: it is a conservative change, it occurs at a poorly conserved position in the protein, it is predicted to be benign by multiple in silico algorithms, and/or has population frequency not consistent with disease.